The following is an entry in ClinVar:

NM_003907.3(EIF2B5):c.1215A>G (p.Gly405=)

Gene: EIF2B5 (eukaryotic translation initiation factor 2B subunit epsilon; plus strand). Cytogenetic location: 3q27.1.
Variant type: single nucleotide variant.
Coding change: c.1215A>G on transcript NM_003907.3 (MANE Select); coding-DNA position 1215, A replaced by G.
Protein change: p.Gly405=; no amino-acid change (glycine 405 retained).
Molecular consequence: synonymous variant.
Genome position (GRCh38, 1-based): chr3:184,141,983, A>G. VCF-style: chr3-184141983-A-G. GRCh37 (hg19) VCF-style: chr3-183859771-A-G.
Identifiers: ClinVar variation 1130604 (VCV001130604.26), dbSNP rs764519749, ClinGen allele CA2726626.

ClinVar aggregate classification (germline): Likely benign. Review status: criteria provided, multiple submitters, no conflicts (2 of 4 stars). 2 submissions from 2 submitters: Likely benign (2). Last evaluated 2024-07-01.

Allele frequency attached by ClinVar (database versions not stated): gnomAD exomes 0.00006; ExAC 0.00025.

Submissions (2):

CeGaT Center for Human Genetics Tuebingen
Classification: Likely benign. Last evaluated: 2024-07-01. Review status: criteria provided, single submitter. Criteria: CeGaT Center For Human Genetics Tuebingen Variant Classification Criteria Version 2. Collection method: clinical testing. Allele origin: germline. Affected: yes. Observed: 1 variant allele.
Comment: EIF2B5: BP4, BP7

Labcorp Genetics (formerly Invitae), Labcorp
Classification: Likely benign. Last evaluated: 2019-10-02. Review status: criteria provided, single submitter. Criteria: Invitae Variant Classification Sherloc (09022015). Collection method: clinical testing. Allele origin: germline.